The following is an entry in ClinVar:

ClinVar aggregate classification (germline): Uncertain significance (1 of 4 stars; one submission).

Allele frequency attached by ClinVar (database versions not stated): gnomAD 0.00001; gnomAD exomes 0.00001 and 0.00002; ExAC 0.00002.
gnomAD v4.1: 12 of 1,613,082 alleles (0.00074%); highest among the groups gnomAD compares: South Asian, 0.012%; no homozygotes.

Submission:

Labcorp Genetics (formerly Invitae), Labcorp
Classification: Uncertain significance. Last evaluated: 2024-12-03. Review status: criteria provided, single submitter. Criteria: Invitae Variant Classification Sherloc (09022015). Collection method: clinical testing. Allele origin: germline.
Comment: This sequence change replaces threonine, which is neutral and polar, with isoleucine, which is neutral and non-polar, at codon 249 of the LRP5 protein (p.Thr249Ile). This variant is present in population databases (rs766546504, gnomAD 0.01%). This variant has not been reported in the literature in individuals affected with LRP5-related conditions. ClinVar contains an entry for this variant (Variation ID: 1484948). Invitae Evidence Modeling of protein sequence and biophysical properties (such as structural, functional, and spatial information, amino acid conservation, physicochemical variation, residue mobility, and thermodynamic stability) has been performed for this missense variant. However, the output from this modeling did not meet the statistical confidence thresholds required to predict the impact of this variant on LRP5 protein function. In summary, the available evidence is currently insufficient to determine the role of this variant in disease. Therefore, it has been classified as a Variant of Uncertain Significance.

NM_002335.4(LRP5):c.746C>T (p.Thr249Ile)

Gene: LRP5 (LDL receptor related protein 5; plus strand). Cytogenetic location: 11q13.2.
Variant type: single nucleotide variant.
Coding change: c.746C>T on transcript NM_002335.4 (MANE Select); coding-DNA position 746, C replaced by T.
Protein change: p.Thr249Ile; replaces threonine 249 with isoleucine.
Molecular consequence: missense variant. On other transcripts: 5 prime UTR variant (1).
Genome position (GRCh38, 1-based): chr11:68,363,806, C>T. VCF-style: chr11-68363806-C-T. GRCh37 (hg19) VCF-style: chr11-68131274-C-T.
Other names: c.-1020C>T (NM_001291902.2); short protein forms T249I.
Identifiers: ClinVar variation 1484948 (VCV001484948.6), dbSNP rs766546504, ClinGen allele CA6149102.
Genomic context (GRCh38, chr11:68,363,806, plus strand): 5'-GGCAGAAGGTGGTGGAGGGCAGCCTGACGCACCCCTTCGCCCTGACGCTCTCCGGGGACA[C>T]TCTGTACTGGACAGACTGGCAGACCCGCTCCATCCATGCCTGCAACAAGCGCACTGGGGG-3'
Protein context (NP_002326.2, residues 239-259): HPFALTLSGD[Thr249Ile]LYWTDWQTRS